The following is an entry in ClinVar:

ClinVar aggregate classification (germline): Conflicting classifications of pathogenicity. Review status: criteria provided, conflicting classifications (1 of 4 stars). 10 submissions from 10 submitters: Uncertain significance (7); Likely benign (3). Last evaluated 2026-01-19.

Conditions:
Cardiovascular phenotype. Identifiers: MedGen CN230736.
Cardiomyopathy (CMYO). Also called: Cardiomyopathies. Identifiers: Orphanet 167848, MedGen C0878544, MONDO:0004994, HP:0001638. Inheritance: Various modes of inheritance.
Arrhythmogenic cardiomyopathy with wooly hair and keratoderma. Also called: Arrhythmogenic cardiomyopathy with woolly hair and keratoderma; Carvajal syndrome; Dilated cardiomyopathy with woolly hair and keratoderma; PALMOPLANTAR KERATODERMA WITH LEFT VENTRICULAR CARDIOMYOPATHY AND WOOLLY HAIR. Identifiers: Orphanet 65282, MedGen C1854063, MONDO:0011581, OMIM 605676.
Arrhythmogenic right ventricular dysplasia 8 (ARVD8). Also called: Arrhythmogenic Right Ventricular Dysplasia/Cardiomyopathy 8; ARRHYTHMOGENIC RIGHT VENTRICULAR DYSPLASIA, FAMILIAL, 8; ARRHYTHMOGENIC RIGHT VENTRICULAR CARDIOMYOPATHY 8. Identifiers: MedGen C1843896, MONDO:0011831, OMIM 607450.

Allele frequency attached by ClinVar (database versions not stated): gnomAD 0.00006 and 0.00009; TOPMed 0.00006; gnomAD exomes 0.00008.
gnomAD v4.1: 234 of 1,613,928 alleles (0.014%); highest among the groups gnomAD compares: Middle Eastern, 0.049%; no homozygotes.

Submissions (10):

Labcorp Genetics (formerly Invitae), Labcorp
Classification: Likely benign for Arrhythmogenic cardiomyopathy with wooly hair and keratoderma; Arrhythmogenic right ventricular dysplasia 8. Last evaluated: 2026-01-19. Review status: criteria provided, single submitter. Criteria: Invitae Variant Classification Sherloc (09022015). Collection method: clinical testing. Allele origin: germline.

Ambry Genetics
Classification: Uncertain significance for Cardiovascular phenotype. Last evaluated: 2024-11-25. Review status: criteria provided, single submitter. Criteria: Ambry Variant Classification Scheme 2023. Collection method: clinical testing. Allele origin: germline.
Comment: The p.R1392Q variant (also known as c.4175G>A), located in coding exon 23 of the DSP gene, results from a G to A substitution at nucleotide position 4175. The arginine at codon 1392 is replaced by glutamine, an amino acid with highly similar properties. This alteration has been reported in dilated cardiomyopathy (DCM) cohorts; however, clinical details were limited (Marston S et al. PLoS ONE, 2015 Sep;10:e0138568; Mazzarotto F et al. Circulation, 2020 02;141:387-398). This amino acid position is well conserved in available vertebrate species. In addition, the in silico prediction for this alteration is inconclusive. Since supporting evidence is limited at this time, the clinical significance of this alteration remains unclear.

All of Us Research Program, National Institutes of Health
Classification: Uncertain significance for Arrhythmogenic cardiomyopathy with wooly hair and keratoderma. Last evaluated: 2024-09-23. Review status: criteria provided, single submitter. Criteria: ACMG Guidelines, 2015. Collection method: clinical testing. Allele origin: germline. Inheritance: Autosomal dominant inheritance. Observed: 32 variant alleles, 32 heterozygotes.
Comment: This missense variant replaces arginine with glutamine at codon 1392 of the DSP protein. Computational prediction suggests that this variant may not impact protein structure and function (internally defined REVEL score threshold <= 0.5, PMID: 27666373). To our knowledge, functional studies have not been reported for this variant. This variant has been reported in two individuals affected with dilated cardiomyopathy (PMID: 26406308, 31983221). This variant has also been identified in 23/282676 chromosomes in the general population by the Genome Aggregation Database (gnomAD). The available evidence is insufficient to determine the role of this variant in disease conclusively. Therefore, this variant is classified as a Variant of Uncertain Significance.

This study involves interpretation of variants in research participants for the purpose of population health screening. Participant phenotype was not available at the time of variant classification. Additional details can be found in publication PMID: 35346344, PMCID: PMC8962531

Color Diagnostics, LLC DBA Color Health
Classification: Uncertain significance for Cardiomyopathy. Last evaluated: 2024-06-12. Review status: criteria provided, single submitter. Criteria: ACMG Guidelines, 2015. Collection method: clinical testing. Allele origin: germline.
Comment: This missense variant replaces arginine with glutamine at codon 1392 of the DSP protein. Computational prediction suggests that this variant may not impact protein structure and function (internally defined REVEL score threshold <= 0.5, PMID: 27666373). To our knowledge, functional studies have not been reported for this variant. This variant has been reported in two individuals affected with dilated cardiomyopathy (PMID: 26406308, 31983221). This variant has also been identified in 23/282676 chromosomes in the general population by the Genome Aggregation Database (gnomAD). The available evidence is insufficient to determine the role of this variant in disease conclusively. Therefore, this variant is classified as a Variant of Uncertain Significance.

GeneDx
Classification: Likely benign. Last evaluated: 2024-03-19. Review status: criteria provided, single submitter. Criteria: GeneDx Variant Classification Process June 2021. Collection method: clinical testing. Allele origin: germline. Affected: yes.
Comment: See Variant Classification Assertion Criteria.

CHEO Genetics Diagnostic Laboratory, Children's Hospital of Eastern Ontario
Classification: Uncertain significance for Cardiomyopathy. Last evaluated: 2023-06-26. Review status: criteria provided, single submitter. Criteria: ACMG Guidelines, 2015. Collection method: clinical testing. Allele origin: germline.

Revvity Omics, Revvity
Classification: Uncertain significance. Last evaluated: 2023-05-05. Review status: criteria provided, single submitter. Criteria: ACMG Guidelines, 2015. Collection method: clinical testing. Allele origin: germline.

Blueprint Genetics
Classification: Uncertain significance. Last evaluated: 2022-10-24. Review status: criteria provided, single submitter. Criteria: ACMG Guidelines, 2015. Collection method: clinical testing. Allele origin: germline.

Women's Health and Genetics/Laboratory Corporation of America, LabCorp
Classification: Likely benign. Last evaluated: 2020-12-07. Review status: criteria provided, single submitter. Criteria: LabCorp Variant Classification Summary - May 2015. Collection method: clinical testing. Allele origin: germline.
Comment: Variant summary: DSP c.4175G>A (p.Arg1392Gln) results in a conservative amino acid change in the encoded protein sequence. Five of five in-silico tools predict a benign effect of the variant on protein function. The variant allele was found at a frequency of 8.4e-05 in 251276 control chromosomes. The observed variant frequency is approximately 8.4-fold the estimated maximal expected allele frequency for a pathogenic variant in DSP causing Arrhythmia phenotype (1e-05), strongly suggesting that the variant is benign. c.4175G>A has been reported in the literature in individuals affected with dilated cardiomyopathy (e.g. Marston_2015, Mazzarotto_2020), but also in healthy controls (e.g. Mazzarotto_2020). These reports do not provide unequivocal conclusions about association of the variant with Arrhythmia. To our knowledge, no experimental evidence demonstrating an impact on protein function has been reported. Three other clinical diagnostic laboratories have submitted clinical-significance assessments for this variant to ClinVar after 2014 without evidence for independent evaluation. All laboratories cited the variant as uncertain significance. Based on the evidence outlined above, the variant was classified as likely benign.

ARUP Laboratories, Molecular Genetics and Genomics, ARUP Laboratories
Classification: Uncertain significance. Last evaluated: 2020-04-14. Review status: criteria provided, single submitter. Criteria: ARUP Molecular Germline Variant Investigation Process. Collection method: clinical testing. Allele origin: germline.
Comment: The DSP c.4175G>A; p.Arg1392Gln variant (rs201736018) is reported in the literature in an individual affected with dilated cardiomyopathy (Marston 2015). This variant is reported in ClinVar (Variation ID: 199883), and is found in the general population with an overall allele frequency of 0.0081% (23/282676 alleles) in the Genome Aggregation Database. The arginine at codon 1392 is moderately conserved, and computational analyses (SIFT, PolyPhen-2) predict that this variant is tolerated. Due to limited information, the clinical significance of the p.Arg1392Gln variant is uncertain at this time. References: Marston et al. OBSCN Mutations Associated with Dilated Cardiomyopathy and Haploinsufficiency. PLoS One. 2015 Sep 25;10(9):e0138568.

Literature cited by the submitters: PubMed 26406308 (cited by 4 submitters); PubMed 31983221 (cited by 4 submitters); PubMed 37652022 (cited by Ambry Genetics); PubMed 27153395 (cited by Women's Health and Genetics/Laboratory Corporation of America, LabCorp).

NM_004415.4(DSP):c.4175G>A (p.Arg1392Gln)

Gene: DSP (desmoplakin; plus strand). Cytogenetic location: 6p24.3.
Variant type: single nucleotide variant.
Coding change: c.4175G>A on transcript NM_004415.4 (MANE Select); coding-DNA position 4175, G replaced by A.
Protein change: p.Arg1392Gln; replaces arginine 1392 with glutamine.
Molecular consequence: missense variant. On other transcripts: intron variant (2).
Genome position (GRCh38, 1-based): chr6:7,580,365, G>A. VCF-style: chr6-7580365-G-A. GRCh37 (hg19) VCF-style: chr6-7580598-G-A.
Other names: p.R1392Q:CGG>CAG; c.4175G>A (LRG_423t1); c.4050+125G>A (NM_001319034.2); c.3582+593G>A (NM_001008844.3); short protein forms R1392Q.
Identifiers: ClinVar variation 199883 (VCV000199883.70), dbSNP rs201736018, ClinGen allele CA004398.